The following is an entry in ClinVar:

NM_006514.4(SCN10A):c.3666C>A (p.Asp1222Glu)

Gene: SCN10A (sodium voltage-gated channel alpha subunit 10; minus strand). Cytogenetic location: 3p22.2.
Variant type: single nucleotide variant.
Coding change: c.3666C>A on transcript NM_006514.4 (MANE Select); coding-DNA position 3666, C replaced by A.
Protein change: p.Asp1222Glu; replaces aspartic acid 1222 with glutamic acid.
Molecular consequence: missense variant.
Genome position (GRCh38, 1-based): chr3:38,718,668, G>T on the plus strand (C>A on the coding strand, the complement: SCN10A is on the minus strand). VCF-style: chr3-38718668-G-T. GRCh37 (hg19) VCF-style: chr3-38760159-G-T.
Other names: c.3663C>A, p.Asp1221Glu (NM_001293306.2); c.3372C>A, p.Asp1124Glu (NM_001293307.2); c.3666C>A (NM_006514.2); short protein forms D1221E, D1222E, D1124E.
Identifiers: ClinVar variation 942835 (VCV000942835.7), dbSNP rs774519441, ClinGen allele CA2320176.
Genomic context (GRCh38, chr3:38,718,668, plus strand): 5'-GAGGGGAGGACCCCAAACCCCACGTGTTCCCACTGAGCCACTCACATTCACAATGAGGAA[G>T]TCCAGCCAGCACCAGGCATTGGTGAAGTACTTTTTGAAGCCATAGGCCACCCACTTAAGC-3'
Protein context (NP_006505.4, residues 1212-1232): KYFTNAWCWL[Asp1222Glu]FLIVNISLIS

ClinVar aggregate classification (germline): Uncertain significance. Review status: criteria provided, multiple submitters, no conflicts (2 of 4 stars). 2 submissions from 2 submitters: Uncertain significance (2). Last evaluated 2026-03-01.

Conditions:
Brugada syndrome. Also called: Sudden unexpected nocturnal death syndrome; Sudden Unexplained Nocturnal Death Syndrome (SUNDS); Sudden Unexplained Death Syndrome; Sudden unexplained nocturnal death syndrome. Identifiers: Orphanet 130, MedGen C1142166, MONDO:0015263.
Cardiovascular phenotype. Identifiers: MedGen CN230736.

Allele frequency attached by ClinVar (database versions not stated): gnomAD exomes below 0.00001; ExAC 0.00001.
gnomAD v4.1: 2 of 1,614,226 alleles (0.00012%); highest among the groups gnomAD compares: Admixed American, 0.0017%; no homozygotes.

Submissions (2):

Ambry Genetics
Classification: Uncertain significance for Cardiovascular phenotype. Last evaluated: 2026-03-01. Review status: criteria provided, single submitter. Criteria: Ambry Variant Classification Scheme 2023. Collection method: clinical testing. Allele origin: germline.
Comment: The p.D1222E variant (also known as c.3666C>A), located in coding exon 20 of the SCN10A gene, results from a C to A substitution at nucleotide position 3666. The aspartic acid at codon 1222 is replaced by glutamic acid, an amino acid with highly similar properties. This amino acid position is conserved. In addition, this alteration is predicted to be deleterious by in silico analysis. Based on the available evidence, the clinical significance of this variant remains unclear.

Labcorp Genetics (formerly Invitae), Labcorp
Classification: Uncertain significance for Brugada syndrome. Last evaluated: 2022-02-11. Review status: criteria provided, single submitter. Criteria: Invitae Variant Classification Sherloc (09022015). Collection method: clinical testing. Allele origin: germline.
Comment: In summary, the available evidence is currently insufficient to determine the role of this variant in disease. Therefore, it has been classified as a Variant of Uncertain Significance. Advanced modeling of protein sequence and biophysical properties (such as structural, functional, and spatial information, amino acid conservation, physicochemical variation, residue mobility, and thermodynamic stability) performed at Invitae indicates that this missense variant is expected to disrupt SCN10A protein function. ClinVar contains an entry for this variant (Variation ID: 942835). This variant has not been reported in the literature in individuals affected with SCN10A-related conditions. This variant is present in population databases (rs774519441, gnomAD 0.003%). This sequence change replaces aspartic acid, which is acidic and polar, with glutamic acid, which is acidic and polar, at codon 1222 of the SCN10A protein (p.Asp1222Glu).